The following is an entry in ClinVar:

ClinVar aggregate classification (germline): Uncertain significance. Review status: criteria provided, multiple submitters, no conflicts (2 of 4 stars). 2 submissions from 2 submitters: Uncertain significance (2). Last evaluated 2026-03-11.

gnomAD v4.1: 5 of 1,201,430 alleles (0.00042%); highest among the groups gnomAD compares: Non-Finnish European, 0.00056%; no homozygotes.

Submissions (2):

GeneDx
Classification: Uncertain significance. Last evaluated: 2026-03-11. Review status: criteria provided, single submitter. Criteria: GeneDx Variant Classification Process June 2021. Collection method: clinical testing. Allele origin: germline.
Comment: Not observed at significant frequency in large population cohorts (gnomAD); In silico analysis suggests that this missense variant does not alter protein structure/function; Has not been previously published as pathogenic or benign to our knowledge

Labcorp Genetics (formerly Invitae), Labcorp
Classification: Uncertain significance. Last evaluated: 2024-05-27. Review status: criteria provided, single submitter. Criteria: Invitae Variant Classification Sherloc (09022015). Collection method: clinical testing. Allele origin: germline.
Comment: This sequence change replaces methionine, which is neutral and non-polar, with leucine, which is neutral and non-polar, at codon 312 of the PGK1 protein (p.Met312Leu). This variant is present in population databases (no rsID available, gnomAD 0.001%). This variant has not been reported in the literature in individuals affected with PGK1-related conditions. An algorithm developed to predict the effect of missense changes on protein structure and function (PolyPhen-2) suggests that this variant is likely to be tolerated. In summary, the available evidence is currently insufficient to determine the role of this variant in disease. Therefore, it has been classified as a Variant of Uncertain Significance.

NM_000291.4(PGK1):c.934A>C (p.Met312Leu)

Gene: PGK1 (phosphoglycerate kinase 1; plus strand). Cytogenetic location: Xq21.1.
Variant type: single nucleotide variant.
Coding change: c.934A>C on transcript NM_000291.4 (MANE Select); coding-DNA position 934, A replaced by C.
Protein change: p.Met312Leu; replaces methionine 312 with leucine.
Molecular consequence: missense variant.
Genome position (GRCh38, 1-based): chrX:78,123,372, A>C. VCF-style: chrX-78123372-A-C. GRCh37 (hg19) VCF-style: chrX-77378869-A-C.
Other names: short protein forms M312L.
Identifiers: ClinVar variation 3392657 (VCV003392657.4).